The following is an entry in ClinVar:

NM_000074.3(CD40LG):c.684A>G (p.Val228=)

Gene: CD40LG (CD40 ligand; plus strand). Cytogenetic location: Xq26.3.
Variant type: single nucleotide variant.
Coding change: c.684A>G on transcript NM_000074.3 (MANE Select); coding-DNA position 684, A replaced by G.
Protein change: p.Val228=; no amino-acid change (valine 228 retained).
Molecular consequence: synonymous variant.
Genome position (GRCh38, 1-based): chrX:136,659,313, A>G. VCF-style: chrX-136659313-A-G. GRCh37 (hg19) VCF-style: chrX-135741472-A-G.
Other names: p.Val228=.
Identifiers: ClinVar variation 461469 (VCV000461469.16), dbSNP rs11575983, ClinGen allele CA10528172.
Genomic context (GRCh38, chrX:136,659,313, plus strand): 5'-TGCAAATACCCACAGTTCCGCCAAACCTTGCGGGCAACAATCCATTCACTTGGGAGGAGT[A>G]TTTGAATTGCAACCAGGTGCTTCGGTGTTTGTCAATGTGACTGATCCAAGCCAAGTGAGC-3'
Protein context (NP_000065.1, residues 218-238): CGQQSIHLGG[Val228=]FELQPGASVF

ClinVar aggregate classification (germline): Benign. Review status: criteria provided, multiple submitters, no conflicts (2 of 4 stars). 5 submissions from 5 submitters: Benign (4). 1 of the submissions does not count toward it. Last evaluated 2026-02-02.

Conditions:
Hyper-IgM syndrome type 1. Also called: CD40 Ligand Deficiency; X-linked hyper-IgM syndrome; Immunodeficiency, X-linked, with hyper-IgM; Hyper-IgM Immunodeficiency Syndrome, Type 1. Identifiers: Orphanet 101088, MedGen C0398689, MONDO:0010626, OMIM 308230.
CD40LG-related disorder. Also called: CD40LG-related condition.

Allele frequency attached by ClinVar (database versions not stated): gnomAD exomes 0.00110 and 0.00273; ExAC 0.00348; gnomAD 0.01018 and 0.01089; 1000 Genomes Project 0.01060; 1000 Genomes Project 30x 0.01145; TOPMed 0.01215; ESP Exome Variant Server 0.01278.
gnomAD v4.1: 2,443 of 1,209,319 alleles (0.2%); highest among the groups gnomAD compares: African/African-American, 3.6%; 22 homozygotes.

Submissions (5):

Labcorp Genetics (formerly Invitae), Labcorp
Classification: Benign for Hyper-IgM syndrome type 1. Last evaluated: 2026-02-02. Review status: criteria provided, single submitter. Criteria: Invitae Variant Classification Sherloc (09022015). Collection method: clinical testing. Allele origin: germline.

Mayo Clinic Laboratories, Mayo Clinic
Classification: Benign. Last evaluated: 2021-04-07. Review status: criteria provided, single submitter. Criteria: ACMG Guidelines, 2015. Collection method: clinical testing. Allele origin: germline. Observed: 9 variant alleles.

Women's Health and Genetics/Laboratory Corporation of America, LabCorp
Classification: Benign. Last evaluated: 2018-11-21. Review status: criteria provided, single submitter. Criteria: LabCorp Variant Classification Summary - May 2015. Collection method: clinical testing. Allele origin: germline.
Comment: Variant summary: CD40LG c.684A>G alters a non-conserved nucleotide resulting in a synonymous change. 4/5 computational tools predict no significant impact on normal splicing. However, these predictions have yet to be confirmed by functional studies. The variant allele was found at a frequency of 0.0035 in 198835 control chromosomes, predominantly at a frequency of 0.035 within the African subpopulation in the gnomAD database, including 8 homozygotes and 172 hemizygotes. The observed variant frequency within African control individuals in the gnomAD database is approximately 22-fold of the estimated maximal expected allele frequency for a pathogenic variant in CD40LG causing Hyper IgM Syndrome Type 1 phenotype (0.0016), while the overall frequency of the variant is approximately 2-fold of the estimated maximal expected allele frequency for a pathogenic variant; these data strongly suggest that the variant is a benign polymorphism found primarily in populations of African origin. To our knowledge, no occurrence of c.684A>G in individuals affected with Hyper IgM Syndrome Type 1 and no experimental evidence demonstrating its impact on protein function have been reported. A ClinVar submission from a clinical diagnostic laboratory (evaluation after 2014) cites the variant as benign. Based on the evidence outlined above, the variant was classified as benign.

Breakthrough Genomics
Classification: Benign. Review status: criteria provided, single submitter. Criteria: ACMG Guidelines, 2015. Collection method: not provided. Allele origin: germline. Inheritance: X-linked inheritance. Affected: yes.

PreventionGenetics, part of Exact Sciences
Classification: Benign for CD40LG-related condition. Last evaluated: 2019-03-13. Review status: no assertion criteria provided. Collection method: clinical testing. Allele origin: germline. Not counted in ClinVar's aggregate classification.
Comment: This variant is classified as benign based on ACMG/AMP sequence variant interpretation guidelines (Richards et al. 2015 PMID: 25741868, with internal and published modifications).